The following is an entry in ClinVar:

NM_006514.4(SCN10A):c.5468C>T (p.Ala1823Val)

Gene: SCN10A (sodium voltage-gated channel alpha subunit 10; minus strand). Cytogenetic location: 3p22.2.
Variant type: single nucleotide variant.
Coding change: c.5468C>T on transcript NM_006514.4 (MANE Select); coding-DNA position 5468, C replaced by T.
Protein change: p.Ala1823Val; replaces alanine 1823 with valine.
Molecular consequence: missense variant.
Genome position (GRCh38, 1-based): chr3:38,697,752, G>A on the plus strand (C>T on the coding strand, the complement: SCN10A is on the minus strand). VCF-style: chr3-38697752-G-A. GRCh37 (hg19) VCF-style: chr3-38739243-G-A.
Other names: c.5465C>T, p.Ala1822Val (NM_001293306.2); c.5174C>T, p.Ala1725Val (NM_001293307.2); short protein forms A1725V, A1822V, A1823V.
Identifiers: ClinVar variation 641947 (VCV000641947.5), dbSNP rs1201354997, ClinGen allele CA352153324.

ClinVar aggregate classification (germline): Uncertain significance (1 of 4 stars; one submission).

Conditions:
Brugada syndrome. Also called: Sudden unexpected nocturnal death syndrome; Sudden unexplained nocturnal death syndrome; Sudden Unexplained Death Syndrome; Sudden Unexplained Nocturnal Death Syndrome (SUNDS). Identifiers: Orphanet 130, MedGen C1142166, MONDO:0015263.

Allele frequency attached by ClinVar (database versions not stated): gnomAD exomes below 0.00001; gnomAD 0.00001; TOPMed 0.00001.
gnomAD v4.1: 3 of 1,613,934 alleles (0.00019%); highest among the groups gnomAD compares: Admixed American, 0.0033%; no homozygotes.

Submission:

Labcorp Genetics (formerly Invitae), Labcorp
Classification: Uncertain significance for Brugada syndrome. Last evaluated: 2018-12-03. Review status: criteria provided, single submitter. Criteria: Invitae Variant Classification Sherloc (09022015). Collection method: clinical testing. Allele origin: germline.
Comment: This variant has not been reported in the literature in individuals with SCN10A-related conditions. In summary, the available evidence is currently insufficient to determine the role of this variant in disease. Therefore, it has been classified as a Variant of Uncertain Significance. Algorithms developed to predict the effect of sequence changes on RNA splicing suggest that this variant may create or strengthen a splice site, but this prediction has not been confirmed by published transcriptional studies. Algorithms developed to predict the effect of missense changes on protein structure and function (SIFT, PolyPhen-2, Align-GVGD) all suggest that this variant is likely to be tolerated, but these predictions have not been confirmed by published functional studies and their clinical significance is uncertain. This variant is not present in population databases (ExAC no frequency). This sequence change replaces alanine with valine at codon 1823 of the SCN10A protein (p.Ala1823Val). The alanine residue is weakly conserved and there is a small physicochemical difference between alanine and valine.